The following is an entry in ClinVar:

ClinVar aggregate classification (germline): Conflicting classifications of pathogenicity. Review status: criteria provided, conflicting classifications (1 of 4 stars). 5 submissions from 5 submitters: Pathogenic (2); Likely pathogenic (1); Uncertain significance (2). Last evaluated 2026-04-14.

Conditions:
ABCA4-related disorder. Also called: ABCA4-related condition; ABCA4-related disorders. Identifiers: MedGen CN239167.
Retinitis pigmentosa (RP). Identifiers: Orphanet 791, MedGen C0035334, MeSH D012174, MONDO:0019200, OMIM 268000. Inheritance: Autosomal dominant, autosomal recessive and X linked inheritance.

Allele frequency attached by ClinVar (database versions not stated): gnomAD exomes below 0.00001; TOPMed 0.00002; gnomAD 0.00003 and 0.00004.
gnomAD v4.1: 8 of 1,614,000 alleles (0.0005%); highest among the groups gnomAD compares: African/African-American, 0.008%; no homozygotes.

Submissions (5):

PreventionGenetics, part of Exact Sciences
Classification: Uncertain significance for ABCA4-related condition. Last evaluated: 2026-04-14. Review status: criteria provided, single submitter. Criteria: ACMG Guidelines, 2015. Collection method: clinical testing. Allele origin: germline.
Comment: The ABCA4 c.1208A>T variant is predicted to result in the amino acid substitution p.Asp403Val. This variant was reported in an individual with Stargardt disease (Zernant et al. 2014. PubMed ID: 25066811). This variant is reported in 0.0080% of alleles in individuals of African descent in gnomAD. Although we suspect that this variant may be pathogenic, at this time, the clinical significance of this variant is uncertain due to the absence of conclusive functional and genetic evidence.

Labcorp Genetics (formerly Invitae), Labcorp
Classification: Pathogenic. Last evaluated: 2026-01-05. Review status: criteria provided, single submitter. Criteria: Invitae Variant Classification Sherloc (09022015). Collection method: clinical testing. Allele origin: germline.
Comment: This sequence change replaces aspartic acid, which is acidic and polar, with valine, which is neutral and non-polar, at codon 403 of the ABCA4 protein (p.Asp403Val). This variant is present in population databases (no rsID available, gnomAD 0.008%). This missense change has been observed in individual(s) with clinical features of Stargardt disease and/or Stargardt disease (PMID: 25066811; internal data). ClinVar contains an entry for this variant (Variation ID: 866970). Invitae Evidence Modeling of protein sequence and biophysical properties (such as structural, functional, and spatial information, amino acid conservation, physicochemical variation, residue mobility, and thermodynamic stability) has been performed for this missense variant. However, the output from this modeling did not meet the statistical confidence thresholds required to predict the impact of this variant on ABCA4 protein function. For these reasons, this variant has been classified as Pathogenic.

Women's Health and Genetics/Laboratory Corporation of America, LabCorp
Classification: Likely pathogenic for Retinitis pigmentosa. Last evaluated: 2025-06-24. Review status: criteria provided, single submitter. Criteria: LabCorp Variant Classification Summary - May 2015. Collection method: clinical testing. Allele origin: germline.
Comment: Variant summary: ABCA4 c.1208A>T (p.Asp403Val) results in a non-conservative amino acid change in the encoded protein sequence. Algorithms developed to predict the effect of missense changes on protein structure and function all suggest that this variant is likely to be disruptive. The variant allele was found at a frequency of 4e-06 in 251466 control chromosomes. c.1208A>T has been reported in the literature in individuals affected with Retinitis Pigmentosa and features of Stargardt disease(Zernant_2014, Hanany_2020, Cornelis_2022, internal data). These data indicate that the variant is likely to be associated with disease. To our knowledge, no experimental evidence demonstrating an impact on protein function has been reported. The following publications have been ascertained in the context of this evaluation (PMID: 35120629, 31964843, 25066811). ClinVar contains an entry for this variant (Variation ID: 866970). Based on the evidence outlined above, the variant was classified as likely pathogenic.

GeneDx
Classification: Uncertain significance. Last evaluated: 2022-02-08. Review status: criteria provided, single submitter. Criteria: GeneDx Variant Classification Process June 2021. Collection method: clinical testing. Allele origin: germline. Affected: yes.
Comment: In silico analysis supports that this missense variant has a deleterious effect on protein structure/function; This variant is associated with the following publications: (PMID: 25066811)

Blueprint Genetics
Classification: Pathogenic for ABCA4-related disorders. Last evaluated: 2020-07-15. Review status: criteria provided, single submitter. Criteria: ACMG Guidelines, 2015. Collection method: clinical testing. Allele origin: germline. Affected: yes. Observed: 4 variant alleles.

Literature cited by the submitters: PubMed 25066811 (cited by Labcorp Genetics (formerly Invitae), Labcorp and Women's Health and Genetics/Laboratory Corporation of America, LabCorp); PubMed 31964843 (cited by Women's Health and Genetics/Laboratory Corporation of America, LabCorp); PubMed 35120629 (cited by Women's Health and Genetics/Laboratory Corporation of America, LabCorp).

NM_000350.3(ABCA4):c.1208A>T (p.Asp403Val)

Gene: ABCA4 (ATP binding cassette subfamily A member 4; minus strand). Cytogenetic location: 1p22.1.
Variant type: single nucleotide variant.
Coding change: c.1208A>T on transcript NM_000350.3 (MANE Select); coding-DNA position 1208, A replaced by T.
Protein change: p.Asp403Val; replaces aspartic acid 403 with valine.
Molecular consequence: missense variant.
Genome position (GRCh38, 1-based): chr1:94,079,353, T>A on the plus strand (A>T on the coding strand, the complement: ABCA4 is on the minus strand). VCF-style: chr1-94079353-T-A. GRCh37 (hg19) VCF-style: chr1-94544909-T-A.
Other names: c.1208A>T, p.Asp403Val (NM_001425324.1); short protein forms D403V.
Identifiers: ClinVar variation 866970 (VCV000866970.14), dbSNP rs913030626, ClinGen allele CA26868971.